The following is an entry in ClinVar:

NM_014339.7(IL17RA):c.310+2T>C

Gene: IL17RA (interleukin 17 receptor A; plus strand). Cytogenetic location: 22q11.1.
Variant type: single nucleotide variant.
Coding change: c.310+2T>C on transcript NM_014339.7 (MANE Select); the canonical splice donor site of the intron after coding-DNA position 310, T replaced by C.
Molecular consequence: splice donor variant.
Genome position (GRCh38, 1-based): chr22:17,097,945, T>C. VCF-style: chr22-17097945-T-C. GRCh37 (hg19) VCF-style: chr22-17578835-T-C.
Other names: c.310+2T>C (NM_001289905.2).
Identifiers: ClinVar variation 578680 (VCV000578680.7), dbSNP rs201128237, ClinGen allele CA321146511.
Genomic context (GRCh38, chr22:17,097,945, plus strand): 5'-CACCCAACAAGGAGACCTGTTCCCCGTGGCTCACATCGAATGGACACTGCAGACAGACGG[T>C]GAGTGGGCATGCCAGCAGGGCCCTGGGGGATTCTCCCTGCCTCCAAGTGGCTCTCCCAGT-3'

ClinVar aggregate classification (germline): Likely pathogenic (1 of 4 stars; one submission).

Conditions:
Immunodeficiency 51 (IMD51). Also called: CANDIDIASIS, FAMILIAL, 5. Identifiers: Orphanet 1334, MedGen C4310803, MONDO:0013500, OMIM 613953.

Allele frequency attached by ClinVar (database versions not stated): TOPMed below 0.00001; gnomAD 0.00001; gnomAD exomes 0.00001.

Submission:

Labcorp Genetics (formerly Invitae), Labcorp
Classification: Likely pathogenic for Immunodeficiency 51. Last evaluated: 2024-10-15. Review status: criteria provided, single submitter. Criteria: Invitae Variant Classification Sherloc (09022015). Collection method: clinical testing. Allele origin: germline.
Comment: This sequence change affects a donor splice site in intron 3 of the IL17RA gene. It is expected to disrupt RNA splicing. Variants that disrupt the donor or acceptor splice site typically lead to a loss of protein function (PMID: 16199547), and loss-of-function variants in IL17RA are known to be pathogenic (PMID: 27930337). This variant is present in population databases (rs201128237, gnomAD 0.003%). This variant has not been reported in the literature in individuals affected with IL17RA-related conditions. ClinVar contains an entry for this variant (Variation ID: 578680). Algorithms developed to predict the effect of sequence changes on RNA splicing suggest that this variant may disrupt the consensus splice site. In summary, the currently available evidence indicates that the variant is pathogenic, but additional data are needed to prove that conclusively. Therefore, this variant has been classified as Likely Pathogenic.

Literature cited by the submitters: PubMed 16199547; PubMed 27930337.